The following is an entry in ClinVar:

ClinVar aggregate classification (germline): Uncertain significance (1 of 4 stars; one submission).

Conditions:
Ellis-van Creveld syndrome (EVC). Also called: MESOECTODERMAL DYSPLASIA; Chondroectodermal dysplasia; EVC-Related Ellis-van Creveld Syndrome; EVC2-Related Ellis-van Creveld Syndrome. Identifiers: Orphanet 289, MedGen C0013903, MONDO:0009162, OMIM 225500.
Curry-Hall syndrome (WAD). Also called: WEYERS ACRODENTAL DYSOSTOSIS. Identifiers: Orphanet 952, MedGen C0457013, MONDO:0008673, OMIM 193530.

gnomAD v4.1: 20 of 1,613,776 alleles (0.0012%); highest among the groups gnomAD compares: Admixed American, 0.0033%; no homozygotes.

Submission:

Labcorp Genetics (formerly Invitae), Labcorp
Classification: Uncertain significance for Curry-Hall syndrome; Ellis-van Creveld syndrome. Last evaluated: 2025-11-10. Review status: criteria provided, single submitter. Criteria: Invitae Variant Classification Sherloc (09022015). Collection method: clinical testing. Allele origin: germline.
Comment: This sequence change replaces glycine, which is neutral and non-polar, with valine, which is neutral and non-polar, at codon 631 of the EVC2 protein (p.Gly631Val). This variant is present in population databases (rs770179911, gnomAD 0.0009%). This variant has not been reported in the literature in individuals affected with EVC2-related conditions. ClinVar contains an entry for this variant (Variation ID: 2152681). An algorithm developed to predict the effect of missense changes on protein structure and function (PolyPhen-2) suggests that this variant is likely to be disruptive. In summary, the available evidence is currently insufficient to determine the role of this variant in disease. Therefore, it has been classified as a Variant of Uncertain Significance.

NM_147127.5(EVC2):c.1892G>T (p.Gly631Val)

Gene: EVC2 (EvC ciliary complex subunit 2; minus strand). Cytogenetic location: 4p16.2.
Variant type: single nucleotide variant.
Coding change: c.1892G>T on transcript NM_147127.5 (MANE Select); coding-DNA position 1892, G replaced by T.
Protein change: p.Gly631Val; replaces glycine 631 with valine.
Molecular consequence: missense variant.
Genome position (GRCh38, 1-based): chr4:5,625,903, C>A on the plus strand (G>T on the coding strand, the complement: EVC2 is on the minus strand). VCF-style: chr4-5625903-C-A. GRCh37 (hg19) VCF-style: chr4-5627630-C-A.
Other names: c.1652G>T, p.Gly551Val (NM_001166136.2); short protein forms G551V, G631V.
Identifiers: ClinVar variation 2152681 (VCV002152681.2), dbSNP rs770179911, ClinGen allele CA91702939.